The following is an entry in ClinVar:

ClinVar aggregate classification (germline): Uncertain significance (1 of 4 stars; one submission).

Allele frequency attached by ClinVar (database versions not stated): gnomAD exomes 0.00003; ExAC 0.00006.
gnomAD v4.1: 29 of 1,209,242 alleles (0.0024%); highest among the groups gnomAD compares: Middle Eastern, 0.023%; no homozygotes.

Submission:

Labcorp Genetics (formerly Invitae), Labcorp
Classification: Uncertain significance. Last evaluated: 2024-12-10. Review status: criteria provided, single submitter. Criteria: Invitae Variant Classification Sherloc (09022015). Collection method: clinical testing. Allele origin: germline.
Comment: This sequence change replaces valine, which is neutral and non-polar, with isoleucine, which is neutral and non-polar, at codon 1136 of the CACNA1F protein (p.Val1136Ile). This variant is present in population databases (rs782039374, gnomAD 0.005%). This variant has not been reported in the literature in individuals affected with CACNA1F-related conditions. ClinVar contains an entry for this variant (Variation ID: 942040). Invitae Evidence Modeling of protein sequence and biophysical properties (such as structural, functional, and spatial information, amino acid conservation, physicochemical variation, residue mobility, and thermodynamic stability) indicates that this missense variant is not expected to disrupt CACNA1F protein function with a negative predictive value of 80%. In summary, the available evidence is currently insufficient to determine the role of this variant in disease. Therefore, it has been classified as a Variant of Uncertain Significance.

NM_001256789.3(CACNA1F):c.3373G>A (p.Val1125Ile)

Gene: CACNA1F (calcium voltage-gated channel subunit alpha1 F; minus strand). Cytogenetic location: Xp11.23.
Variant type: single nucleotide variant.
Coding change: c.3373G>A on transcript NM_001256789.3 (MANE Select); coding-DNA position 3373, G replaced by A.
Protein change: p.Val1125Ile; replaces valine 1125 with isoleucine.
Molecular consequence: missense variant.
Genome position (GRCh38, 1-based): chrX:49,215,407, C>T on the plus strand (G>A on the coding strand, the complement: CACNA1F is on the minus strand). VCF-style: chrX-49215407-C-T. GRCh37 (hg19) VCF-style: chrX-49071867-C-T.
Other names: c.3211G>A, p.Val1071Ile (NM_001256790.3); c.3406G>A, p.Val1136Ile (NM_005183.4); short protein forms V1125I, V1071I, V1136I.
Identifiers: ClinVar variation 942040 (VCV000942040.9), dbSNP rs782039374, ClinGen allele CA10410468.
Genomic context (GRCh38, chrX:49,215,407, plus strand): 5'-TCTTGTCCAGCTCACAGTTTTGGTACTCCTGCTCGCCCTGGGCACGGAAAGTGATGATGA[C>T]GAAGCCCACGAAGATGTTCATCATGAAGAACGCAATGATGATGATGTAGACAATGAAGAA-3'
Protein context (NP_001243718.1, residues 1115-1135): FFMMNIFVGF[Val1125Ile]IITFRAQGEQ